The following is an entry in ClinVar:

NM_016011.5(MECR):c.830+1del

Gene: MECR (mitochondrial trans-2-enoyl-CoA reductase; minus strand). Cytogenetic location: 1p35.3.
Variant type: Deletion.
Coding change: c.830+1del on transcript NM_016011.5 (MANE Select); the canonical splice donor site of the intron after coding-DNA position 830, one base deleted (G; older notation c.830+1delG).
Molecular consequence: splice donor variant. On other transcripts: non-coding transcript variant (1).
Genome position (GRCh38, 1-based): chr1:29,200,515, C deleted on the plus strand (G on the coding strand, the reverse complement: MECR is on the minus strand). VCF-style (leftmost placement, unchanged base first): chr1-29200514-AC-A. GRCh37 (hg19) VCF-style: chr1-29527026-AC-A.
Other names: c.680+1del (NM_001349717.2); c.602+1del (NM_001024732.4, NM_001349714.2, NM_001349712.2 and 2 more transcripts); c.914+1del (NM_001349716.2); c.935+1del (NM_001349715.2).
Identifiers: ClinVar variation 3008945 (VCV003008945.3), dbSNP rs1239954306, ClinGen allele CA522100426.

ClinVar aggregate classification (germline): Likely pathogenic (1 of 4 stars; one submission).

Allele frequency attached by ClinVar (database versions not stated): TOPMed below 0.00001; gnomAD exomes 0.00002.

Submission:

Labcorp Genetics (formerly Invitae), Labcorp
Classification: Likely pathogenic. Last evaluated: 2023-04-24. Review status: criteria provided, single submitter. Criteria: Invitae Variant Classification Sherloc (09022015). Collection method: clinical testing. Allele origin: germline.
Comment: This sequence change affects a splice site in intron 7 of the MECR gene. It is expected to disrupt RNA splicing. Variants that disrupt the donor or acceptor splice site typically lead to a loss of protein function (PMID: 16199547), and loss-of-function variants in MECR are known to be pathogenic (PMID: 27817865). This variant is present in population databases (no rsID available, gnomAD 0.0009%). This variant has not been reported in the literature in individuals affected with MECR-related conditions. Algorithms developed to predict the effect of sequence changes on RNA splicing suggest that this variant may disrupt the consensus splice site. In summary, the currently available evidence indicates that the variant is pathogenic, but additional data are needed to prove that conclusively. Therefore, this variant has been classified as Likely Pathogenic.

Literature cited by the submitters: PubMed 16199547; PubMed 27817865.